The following is an entry in ClinVar:

ClinVar aggregate classification (germline): Uncertain significance (1 of 4 stars; one submission).

Conditions:
Peroxisome biogenesis disorder 11A (Zellweger). Also called: Peroxisome biogenesis disorder 11A. Identifiers: Orphanet 912, MedGen C3554000, MONDO:0013949, OMIM 614883.

Allele frequency attached by ClinVar (database versions not stated): gnomAD 0.00001; TOPMed 0.00001.
gnomAD v4.1: 14 of 1,550,276 alleles (0.0009%); highest among the groups gnomAD compares: Non-Finnish European, 0.001%; no homozygotes.

Submission:

Labcorp Genetics (formerly Invitae), Labcorp
Classification: Uncertain significance for Peroxisome biogenesis disorder 11A (Zellweger). Last evaluated: 2022-05-12. Review status: criteria provided, single submitter. Criteria: Invitae Variant Classification Sherloc (09022015). Collection method: clinical testing. Allele origin: germline.
Comment: This sequence change replaces lysine, which is basic and polar, with isoleucine, which is neutral and non-polar, at codon 10 of the PEX13 protein (p.Lys10Ile). This variant is present in population databases (no rsID available, gnomAD 0.004%). This variant has not been reported in the literature in individuals affected with PEX13-related conditions. Algorithms developed to predict the effect of missense changes on protein structure and function are either unavailable or do not agree on the potential impact of this missense change (SIFT: "Tolerated"; PolyPhen-2: "Probably Damaging"; Align-GVGD: "Class C0"). In summary, the available evidence is currently insufficient to determine the role of this variant in disease. Therefore, it has been classified as a Variant of Uncertain Significance.

NM_002618.4(PEX13):c.29A>T (p.Lys10Ile)

Genes: PEX13 (peroxisomal biogenesis factor 13; plus strand), PUS10 (pseudouridine synthase 10; minus strand). Cytogenetic location: 2p15.
Variant type: single nucleotide variant.
Coding change: c.29A>T on transcript NM_002618.4 (MANE Select); coding-DNA position 29, A replaced by T.
Protein change: p.Lys10Ile; replaces lysine 10 with isoleucine.
Molecular consequence: missense variant. On other transcripts: intron variant (2).
Genome position (GRCh38, 1-based): chr2:61,017,788, A>T. VCF-style: chr2-61017788-A-T. GRCh37 (hg19) VCF-style: chr2-61244923-A-T.
Other names: c.-16+220T>A (NM_144709.4); c.-623+220T>A (NM_001322127.1); short protein forms K10I.
Identifiers: ClinVar variation 1952502 (VCV001952502.2), dbSNP rs1230492316, ClinGen allele CA346936785.
Genomic context (GRCh38, chr2:61,017,788, plus strand): 5'-GTAGGAGCGGGAGCCGAGAGGAGGCGGAGGAGATGGCGTCCCAGCCGCCACCTCCCCCCA[A>T]ACCCTGGGAGACCCGCCGAATTCCGGGAGCCGGACCGGGACCAGGACCGGGCCCCACTTT-3'
Protein context (NP_002609.1, residues 1-20): MASQPPPPP[Lys10Ile]PWETRRIPGA